The following is an entry in ClinVar:

ClinVar aggregate classification (germline): Uncertain significance (1 of 4 stars; one submission).

Conditions:
POLD1-related polyposis and colorectal cancer syndrome (CRCS10). Also called: Colorectal cancer 10; COLORECTAL CANCER, SUSCEPTIBILITY TO, ON CHROMOSOME 19q; Colorectal cancer, susceptibility to, 10. Identifiers: Orphanet 220460, MedGen C2675481, MONDO:0012953, OMIM 612591.

Submission:

Labcorp Genetics (formerly Invitae), Labcorp
Classification: Uncertain significance for POLD1-related polyposis and colorectal cancer syndrome. Last evaluated: 2018-06-24. Review status: criteria provided, single submitter. Criteria: Invitae Variant Classification Sherloc (09022015). Collection method: clinical testing. Allele origin: germline.
Comment: This variant results in a copy number gain of the genomic region encompassing exons 2-10 of the POLD1 gene. The 5' end of this event is unknown as it extends beyond the assayed region for this gene and therefore may encompass additional genes. The 3' boundary is likely confined to intron 10 of the POLD1 gene. As the precise location of this event is unknown, it may be in tandem or it may be located elsewhere in the genome. This variant has not been reported in the literature in individuals with POLD1-related disease. In summary, the available evidence is currently insufficient to determine the role of this variant in disease. Therefore, it has been classified as a Variant of Uncertain Significance.

NC_000019.9:g.(?_50902099)_(50906864_?)dup

Gene: POLD1 (DNA polymerase delta 1, catalytic subunit; plus strand). Cytogenetic location: 19q13.33.
Variant type: Duplication.
Identifiers: ClinVar variation 583694 (VCV000583694.4).